The following is an entry in ClinVar:

ClinVar aggregate classification (germline): Uncertain significance (1 of 4 stars; one submission).

Submission:

Women's Health and Genetics/Laboratory Corporation of America, LabCorp
Classification: Uncertain significance. Last evaluated: 2025-02-07. Review status: criteria provided, single submitter. Criteria: LabCorp Variant Classification Summary - May 2015. Collection method: clinical testing. Allele origin: germline.
Comment: Variant summary: TTN c.40942G>A (p.Val13648Met) results in a conservative amino acid change in the encoded protein sequence. Three of four in-silico tools predict a damaging effect of the variant on protein function. The frequency data for this variant in gnomAD is considered unreliable, as metrics indicate poor data quality at this position. To our knowledge, no occurrence of c.40942G>A in individuals affected with Autosomal Recessive Titinopathy and no experimental evidence demonstrating its impact on protein function have been reported. No submitters have cited clinical-significance assessments for this variant to ClinVar. Based on the evidence outlined above, the variant was classified as uncertain significance.

NM_001267550.2(TTN):c.48646G>A (p.Val16216Met)

Genes: TTN (titin; minus strand), TTN-AS1 (TTN antisense RNA 1; plus strand), LOC126806426 (BRD4-independent group 4 enhancer GRCh37_chr2:179478848-179480047; plus strand). Cytogenetic location: 2q31.2.
Variant type: single nucleotide variant.
Coding change: c.48646G>A on transcript NM_001267550.2 (MANE Select); coding-DNA position 48646, G replaced by A.
Protein change: p.Val16216Met; replaces valine 16216 with methionine.
Molecular consequence: missense variant.
Genome position (GRCh38, 1-based): chr2:178,614,961, C>T on the plus strand (G>A on the coding strand, the complement: TTN is on the minus strand). VCF-style: chr2-178614961-C-T. GRCh37 (hg19) VCF-style: chr2-179479688-C-T.
Other names: c.43723G>A, p.Val14575Met (NM_001256850.1); c.21451G>A, p.Val7151Met (NM_003319.4); c.40942G>A, p.Val13648Met (NM_133378.4); c.21826G>A, p.Val7276Met (NM_133432.3); c.22027G>A, p.Val7343Met (NM_133437.4); short protein forms V13648M, V14575M, V16216M, V7151M, V7276M, V7343M.
Identifiers: ClinVar variation 3768692 (VCV003768692.1).
Genomic context (GRCh38, chr2:178,614,961, plus strand): 5'-CCTGCCTGTTTAAGGCCTTCACGCGGTAGGCATACCATTTGCCTTCCTCAAGACCTGTCA[C>T]TTCCATTCTGTCAGAAAACAGAATAGGATGTTTTACTGTGATGTCGATAATCGTTTCATT-3'
Protein context (NP_001254479.2, residues 16206-16226): GEPVAETKME[Val16216Met]TGLEEGKWYA